The following is an entry in ClinVar:

ClinVar aggregate classification (germline): Likely benign. Review status: criteria provided, multiple submitters, no conflicts (2 of 4 stars). 4 submissions from 4 submitters: Likely benign (4). Last evaluated 2025-11-04.

Conditions:
Inborn genetic diseases. Identifiers: MedGen C0950123, MeSH D030342.
Fanconi anemia (FA). Also called: Fanconi's anemia. Identifiers: Orphanet 84, MedGen C0015625, MeSH D005199, MONDO:0019391.

Allele frequency attached by ClinVar (database versions not stated): gnomAD 0.00001; gnomAD exomes 0.00001 and 0.00002; ExAC 0.00002; TOPMed 0.00002; ESP Exome Variant Server 0.00008.
gnomAD v4.1: 18 of 1,610,524 alleles (0.0011%); highest among the groups gnomAD compares: Middle Eastern, 0.016%; no homozygotes.

Submissions (4):

Labcorp Genetics (formerly Invitae), Labcorp
Classification: Likely benign for Fanconi anemia. Last evaluated: 2025-11-04. Review status: criteria provided, single submitter. Criteria: Invitae Variant Classification Sherloc (09022015). Collection method: clinical testing. Allele origin: germline.

Ambry Genetics
Classification: Likely benign for Inborn genetic diseases. Last evaluated: 2024-11-26. Review status: criteria provided, single submitter. Criteria: Ambry Variant Classification Scheme 2023. Collection method: clinical testing. Allele origin: germline.

CeGaT Center for Human Genetics Tuebingen
Classification: Likely benign. Last evaluated: 2023-07-01. Review status: criteria provided, single submitter. Criteria: CeGaT Center For Human Genetics Tuebingen Variant Classification Criteria Version 2. Collection method: clinical testing. Allele origin: germline. Affected: yes. Observed: 1 variant allele.
Comment: FANCM: BP4, BP7

Quest Diagnostics Nichols Institute San Juan Capistrano
Classification: Likely benign. Last evaluated: 2023-04-28. Review status: criteria provided, single submitter. Criteria: Quest Diagnostics criteria. Collection method: clinical testing. Allele origin: unknown.

NM_020937.4(FANCM):c.4464C>T (p.Asn1488=)

Gene: FANCM (FA complementation group M; plus strand). Cytogenetic location: 14q21.2.
Variant type: single nucleotide variant.
Coding change: c.4464C>T on transcript NM_020937.4 (MANE Select); coding-DNA position 4464, C replaced by T.
Protein change: p.Asn1488=; no amino-acid change (asparagine 1488 retained).
Molecular consequence: synonymous variant.
Genome position (GRCh38, 1-based): chr14:45,183,851, C>T. VCF-style: chr14-45183851-C-T. GRCh37 (hg19) VCF-style: chr14-45653054-C-T.
Other names: c.4386C>T, p.Asn1462= (NM_001308133.2); c.4464C>T (NM_020937.3, NM_020937.2).
Identifiers: ClinVar variation 1093704 (VCV001093704.35), dbSNP rs376583120, ClinGen allele CA7169753.